The following is an entry in ClinVar:

ClinVar aggregate classification (germline): Uncertain significance. Review status: criteria provided, multiple submitters, no conflicts (2 of 4 stars). 3 submissions from 3 submitters: Uncertain significance (3). Last evaluated 2025-11-01.

Conditions:
Nemaline myopathy 2 (NEM2). Also called: Nemaline myopathy 2, autosomal recessive. Identifiers: MedGen C1850569, MONDO:0009725, OMIM 256030.

Allele frequency attached by ClinVar (database versions not stated): ExAC 0.00006; 1000 Genomes Project 30x 0.00031; gnomAD 0.00009; TOPMed 0.00015; 1000 Genomes Project 0.00020.
gnomAD v4.1: 40 of 1,613,954 alleles (0.0025%); highest among the groups gnomAD compares: African/African-American, 0.039%; no homozygotes.

Submissions (3):

Dasa
Classification: Uncertain significance. Last evaluated: 2025-11-01. Review status: criteria provided, single submitter. Criteria: DASA Assertion Criteria. Collection method: clinical testing. Allele origin: germline.
Comment: NM_001164508.2(NEB):c.7697G>A (p.Arg2566Gln) is a missense variant that results in the substitution of arginine with glutamine. This variant is rare in population databases. The currently available literature and clinical evidence are not sufficient to establish a definitive association between this variant and the reported condition. Therefore, this variant is classified as a variant of uncertain significance.

Labcorp Genetics (formerly Invitae), Labcorp
Classification: Uncertain significance for Nemaline myopathy 2. Last evaluated: 2022-08-10. Review status: criteria provided, single submitter. Criteria: Invitae Variant Classification Sherloc (09022015). Collection method: clinical testing. Allele origin: germline.
Comment: This sequence change replaces arginine, which is basic and polar, with glutamine, which is neutral and polar, at codon 2566 of the NEB protein (p.Arg2566Gln). This variant is present in population databases (rs564304837, gnomAD 0.05%). This variant has not been reported in the literature in individuals affected with NEB-related conditions. Algorithms developed to predict the effect of missense changes on protein structure and function are either unavailable or do not agree on the potential impact of this missense change (SIFT: "Deleterious"; PolyPhen-2: "Not Available"; Align-GVGD: "Class C0"). Algorithms developed to predict the effect of sequence changes on RNA splicing suggest that this variant may create or strengthen a splice site. In summary, the available evidence is currently insufficient to determine the role of this variant in disease. Therefore, it has been classified as a Variant of Uncertain Significance.

Revvity Omics, Revvity
Classification: Uncertain significance. Last evaluated: 2022-03-11. Review status: criteria provided, single submitter. Criteria: ACMG Guidelines, 2015. Collection method: clinical testing. Allele origin: germline.

NM_001164508.2(NEB):c.7697G>A (p.Arg2566Gln)

Gene: NEB (nebulin; minus strand). Cytogenetic location: 2q23.3.
Variant type: single nucleotide variant.
Coding change: c.7697G>A on transcript NM_001164508.2 (MANE Select); coding-DNA position 7697, G replaced by A.
Protein change: p.Arg2566Gln; replaces arginine 2566 with glutamine.
Molecular consequence: missense variant.
Genome position (GRCh38, 1-based): chr2:151,644,077, C>T on the plus strand (G>A on the coding strand, the complement: NEB is on the minus strand). VCF-style: chr2-151644077-C-T. GRCh37 (hg19) VCF-style: chr2-152500591-C-T.
Other names: c.7697G>A, p.Arg2566Gln (NM_001164507.2, NM_001271208.2, NM_004543.5); short protein forms R2566Q.
Identifiers: ClinVar variation 2031176 (VCV002031176.6), dbSNP rs564304837, ClinGen allele CA1909771.